The following is an entry in ClinVar:

ClinVar aggregate classification (germline): Conflicting classifications of pathogenicity. Review status: criteria provided, conflicting classifications (1 of 4 stars). 12 submissions from 10 submitters: Uncertain significance (3); Benign (1); Likely benign (6). 2 of the submissions do not count toward it. Last evaluated 2025-12-23.

Conditions:
Arrhythmogenic right ventricular dysplasia 8 (ARVD8). Also called: ARRHYTHMOGENIC RIGHT VENTRICULAR CARDIOMYOPATHY 8; ARRHYTHMOGENIC RIGHT VENTRICULAR DYSPLASIA, FAMILIAL, 8; Arrhythmogenic Right Ventricular Dysplasia/Cardiomyopathy 8. Identifiers: MedGen C1843896, MONDO:0011831, OMIM 607450.
Arrhythmogenic cardiomyopathy with wooly hair and keratoderma. Also called: Carvajal syndrome; PALMOPLANTAR KERATODERMA WITH LEFT VENTRICULAR CARDIOMYOPATHY AND WOOLLY HAIR; Arrhythmogenic cardiomyopathy with woolly hair and keratoderma; Dilated cardiomyopathy with woolly hair and keratoderma. Identifiers: Orphanet 65282, MedGen C1854063, MONDO:0011581, OMIM 605676.
Cardiomyopathy (CMYO). Also called: Cardiomyopathies. Identifiers: Orphanet 167848, MedGen C0878544, MONDO:0004994, HP:0001638. Inheritance: Various modes of inheritance.
DSP-related disorder. Also called: DSP-related disorders; DSP-related condition.
Cardiovascular phenotype. Identifiers: MedGen CN230736.
Lethal acantholytic epidermolysis bullosa (EBLA). Identifiers: Orphanet 158687, MedGen C1864826, MONDO:0012323, OMIM 609638.
Woolly hair-skin fragility syndrome (WHSF). Identifiers: Orphanet 293165, MedGen C1843292, MONDO:0957307, OMIM 620415.

Allele frequency attached by ClinVar (database versions not stated): gnomAD 0.00007 and 0.00008; ESP Exome Variant Server 0.00008; TOPMed 0.00009; gnomAD exomes 0.00023 and 0.00035; ExAC 0.00062.
gnomAD v4.1: 346 of 1,613,946 alleles (0.021%); highest among the groups gnomAD compares: Non-Finnish European, 0.028%; no homozygotes.

Submissions (12):

Labcorp Genetics (formerly Invitae), Labcorp
Classification: Benign for Arrhythmogenic cardiomyopathy with wooly hair and keratoderma; Arrhythmogenic right ventricular dysplasia 8. Last evaluated: 2025-12-23. Review status: criteria provided, single submitter. Criteria: Invitae Variant Classification Sherloc (09022015). Collection method: clinical testing. Allele origin: germline.

Mayo Clinic Laboratories, Mayo Clinic
Classification: Likely benign. Last evaluated: 2025-11-16. Review status: criteria provided, single submitter. Criteria: ACMG Guidelines, 2015. Collection method: clinical testing. Allele origin: germline. Observed: 1 variant allele.
Comment: BS1, BP4, BP7

PreventionGenetics, part of Exact Sciences
Classification: Likely benign for DSP-related condition. Last evaluated: 2025-03-24. Review status: criteria provided, single submitter. Criteria: ACMG Guidelines, 2015. Collection method: clinical testing. Allele origin: germline.
Comment: This variant is classified as likely benign based on ACMG/AMP sequence variant interpretation guidelines (Richards et al. 2015 PMID: 25741868, with internal and published modifications).

Blueprint Genetics
Classification: Likely benign. Last evaluated: 2024-10-10. Review status: criteria provided, single submitter. Criteria: ACMG Guidelines, 2015. Collection method: clinical testing. Allele origin: germline.

GeneDx
Classification: Likely benign. Last evaluated: 2020-09-03. Review status: criteria provided, single submitter. Criteria: GeneDx Variant Classification Process June 2021. Collection method: clinical testing. Allele origin: germline. Affected: yes.

Ambry Genetics
Classification: Likely benign for Cardiovascular phenotype. Last evaluated: 2019-06-05. Review status: criteria provided, single submitter. Criteria: Ambry Variant Classification Scheme 2023. Collection method: clinical testing. Allele origin: germline.

Color Diagnostics, LLC DBA Color Health
Classification: Likely benign for Cardiomyopathy. Last evaluated: 2018-11-27. Review status: criteria provided, single submitter. Criteria: ACMG Guidelines, 2015. Collection method: clinical testing. Allele origin: germline.

Illumina Laboratory Services, Illumina
Classification: Uncertain significance for Lethal acantholytic epidermolysis bullosa. Last evaluated: 2018-01-12. Review status: criteria provided, single submitter. Criteria: ICSL Variant Classification Criteria 13 December 2019. Collection method: clinical testing. Allele origin: germline.

Illumina Laboratory Services, Illumina
Classification: Uncertain significance for Arrhythmogenic right ventricular dysplasia 8. Last evaluated: 2018-01-12. Review status: criteria provided, single submitter. Criteria: ICSL Variant Classification Criteria 13 December 2019. Collection method: clinical testing. Allele origin: germline.

Illumina Laboratory Services, Illumina
Classification: Uncertain significance for Arrhythmogenic cardiomyopathy with wooly hair and keratoderma. Last evaluated: 2018-01-12. Review status: criteria provided, single submitter. Criteria: ICSL Variant Classification Criteria 13 December 2019. Collection method: clinical testing. Allele origin: germline.

Clinical Genetics DNA and cytogenetics Diagnostics Lab, Erasmus MC, Erasmus Medical Center
Classification: Likely benign. Review status: no assertion criteria provided. Collection method: clinical testing. Allele origin: germline. Affected: yes. Study: VKGL Data-share Consensus. Not counted in ClinVar's aggregate classification.

Clinical Genetics, Academic Medical Center
Classification: Benign. Review status: no assertion criteria provided. Collection method: clinical testing. Allele origin: germline. Affected: yes. Study: VKGL Data-share Consensus. Not counted in ClinVar's aggregate classification.

NM_004415.4(DSP):c.5316T>C (p.Asp1772=)

Gene: DSP (desmoplakin; plus strand). Cytogenetic location: 6p24.3.
Variant type: single nucleotide variant.
Coding change: c.5316T>C on transcript NM_004415.4 (MANE Select); coding-DNA position 5316, T replaced by C.
Protein change: p.Asp1772=; no amino-acid change (aspartic acid 1772 retained).
Molecular consequence: synonymous variant. On other transcripts: intron variant (2).
Genome position (GRCh38, 1-based): chr6:7,581,506, T>C. VCF-style: chr6-7581506-T-C. GRCh37 (hg19) VCF-style: chr6-7581739-T-C.
Other names: p.Asp1772=; c.5316T>C (LRG_423t1, NM_004415.3); c.4051-1136T>C (NM_001319034.2); c.3583-1136T>C (NM_001008844.3).
Identifiers: ClinVar variation 357958 (VCV000357958.34), dbSNP rs376186141, ClinGen allele CA044635.